The following is an entry in ClinVar:

ClinVar aggregate classification (germline): Pathogenic (1 of 4 stars; one submission).

Submission:

Athena Diagnostics
Classification: Pathogenic. Last evaluated: 2024-07-03. Review status: criteria provided, single submitter. Criteria: Athena Diagnostics Criteria. Collection method: clinical testing. Allele origin: unknown.
Comment: This duplication is likely inserted in tandem with the original copy (PMID: 25640679) and result in the loss of a functional protein in a gene for which loss of function is associated with disease. Similar duplication of exons 17-19 has been reported primarily in patients with Duchenne muscular dystrophy (DMD), and also at least one individual with Becker muscular dystrophy (BMD; PMID: 16834926). Duplication of the same exons has not been reported in large, multi-ethnic general populations.

Literature cited by the submitters: PubMed 16834926; PubMed 35396091; PubMed 36361501; PubMed 17253928; PubMed 17259292.

Single allele

Gene: DMD (dystrophin; minus strand). Cytogenetic location: Xp21.1.
Variant type: Duplication.
Identifiers: ClinVar variation 3571482 (VCV003571482.1).